The following is an entry in ClinVar:

ClinVar aggregate classification (germline): Likely benign. Review status: criteria provided, multiple submitters, no conflicts (2 of 4 stars). 4 submissions from 4 submitters: Likely benign (4). Last evaluated 2024-09-04.

Conditions:
Lethal congenital glycogen storage disease of heart. Also called: GLYCOGEN STORAGE DISEASE OF HEART; PHOSPHORYLASE KINASE DEFICIENCY OF HEART. Identifiers: Orphanet 439854, MedGen C1849813, MONDO:0009867, OMIM 261740.
Cardiovascular phenotype. Identifiers: MedGen CN230736.
Hypertrophic cardiomyopathy. Also called: HYPERTROPHIC MYOCARDIOPATHY. Identifiers: Orphanet 217569, MedGen C0007194, MeSH D002312, MONDO:0005045, HP:0001639.

Allele frequency attached by ClinVar (database versions not stated): ExAC 0.00001; gnomAD exomes 0.00001.
gnomAD v4.1: 9 of 1,613,416 alleles (0.00056%); highest among the groups gnomAD compares: South Asian, 0.0099%; no homozygotes.

Submissions (4):

Ambry Genetics
Classification: Likely benign for Cardiovascular phenotype. Last evaluated: 2024-09-04. Review status: criteria provided, single submitter. Criteria: Ambry Variant Classification Scheme 2023. Collection method: clinical testing. Allele origin: germline.

All of Us Research Program, National Institutes of Health
Classification: Likely benign for Hypertrophic cardiomyopathy. Last evaluated: 2023-10-06. Review status: criteria provided, single submitter. Criteria: ACMG Guidelines, 2015. Collection method: clinical testing. Allele origin: germline. Inheritance: Autosomal dominant inheritance. Observed: 1 variant allele, 1 heterozygote.
Comment: This study involves interpretation of variants in research participants for the purpose of population health screening. Participant phenotype was not available at the time of variant classification. Additional details can be found in publication PMID: 35346344, PMCID: PMC8962531

Labcorp Genetics (formerly Invitae), Labcorp
Classification: Likely benign for Lethal congenital glycogen storage disease of heart. Last evaluated: 2022-09-30. Review status: criteria provided, single submitter. Criteria: Invitae Variant Classification Sherloc (09022015). Collection method: clinical testing. Allele origin: germline.

Blueprint Genetics
Classification: Likely benign. Last evaluated: 2021-02-26. Review status: criteria provided, single submitter. Criteria: ACMG Guidelines, 2015. Collection method: clinical testing. Allele origin: germline.

NM_016203.4(PRKAG2):c.1281G>A (p.Glu427=)

Gene: PRKAG2 (protein kinase AMP-activated non-catalytic subunit gamma 2; minus strand). Cytogenetic location: 7q36.1.
Variant type: single nucleotide variant.
Coding change: c.1281G>A on transcript NM_016203.4 (MANE Select); coding-DNA position 1281, G replaced by A.
Protein change: p.Glu427=; no amino-acid change (glutamic acid 427 retained).
Molecular consequence: synonymous variant.
Genome position (GRCh38, 1-based): chr7:151,565,838, C>T on the plus strand (G>A on the coding strand, the complement: PRKAG2 is on the minus strand). VCF-style: chr7-151565838-C-T. GRCh37 (hg19) VCF-style: chr7-151262924-C-T.
Other names: c.1149G>A, p.Glu383= (NM_001040633.2, NM_001407024.1); c.906G>A, p.Glu302= (NM_001304527.2, NM_001407029.1); c.558G>A, p.Glu186= (NM_001304531.2, NM_001407034.1, NM_001407035.1 and 1 more transcripts); c.909G>A, p.Glu303= (NM_001363698.2, NM_001407028.1); c.1281G>A, p.Glu427= (NM_001407021.1); c.1278G>A, p.Glu426= (NM_001407022.1, NM_001407023.1); c.1146G>A, p.Glu382= (NM_001407026.1, NM_001407027.1); c.993G>A, p.Glu331= (NM_001407030.1); and 7 more.
Identifiers: ClinVar variation 1983318 (VCV001983318.7), dbSNP rs766545524, ClinGen allele CA054662.